The following is an entry in ClinVar:

ClinVar aggregate classification (germline): Likely pathogenic (1 of 4 stars; one submission).

Conditions:
Cohen syndrome (COH1). Also called: PEPPER SYNDROME; Cutis verticis gyrata, retinitis pigmentosa, and sensorineural deafness. Identifiers: Orphanet 193, MedGen C0265223, MONDO:0008999, OMIM 216550.

Submission:

Department of Human Genetics, Hannover Medical School
Classification: Likely pathogenic for Cohen syndrome. Last evaluated: 2023-09-19. Review status: criteria provided, single submitter. Criteria: ACMG Guidelines, 2015. Collection method: clinical testing. Allele origin: germline. Affected: yes.
Comment: ACMG/ ClinGen SVI: likely pathogenic (Criteria: PVS1, PM2_supporting).

NM_152564.5(VPS13B):c.9261_9267del (p.Asn3088fs)

Gene: VPS13B (vacuolar protein sorting 13 homolog B; plus strand). Cytogenetic location: 8q22.2.
Variant type: Microsatellite.
Coding change: c.9261_9267del on transcript NM_152564.5 (MANE Select); coding-DNA positions 9261 to 9267, 7 bases deleted (CAATAAT; older notation c.9261_9267delCAATAAT).
Protein change: p.Asn3088fs; shifts the reading frame from asparagine 3088.
Molecular consequence: frameshift variant.
Genome position (GRCh38, 1-based): chr8:99,823,909-99,823,915, CAATAAT deleted; deleting any 7 consecutive bases within chr8:99,823,902-99,823,915 gives the same sequence; the c. name uses the placement nearest the transcript's 3' end. VCF-style (leftmost placement, unchanged base first): chr8-99823901-ACAATAAT-A. GRCh37 (hg19) VCF-style: chr8-100836129-ACAATAAT-A.
Other names: c.9336_9342del, p.Asn3113fs (NM_017890.5); short protein forms N3088fs, N3113fs.
Identifiers: ClinVar variation 2579732 (VCV002579732.1), dbSNP rs2492027647, ClinGen allele CA2580617923.
Genomic context (GRCh38, chr8:99,823,901, plus strand): 5'-TTCTGCATTTCCTCCATGGTACAGCAAGGTATACAAATTATTCAGATTGAAGACAAGACT[ACAATAAT>A]CAATAATACACCATATCAAATATTTTATAAACCACAGCTATCTGTCTGCAATCCCCATTC-3'